The following is an entry in ClinVar:

NM_001352514.2(HLCS):c.2152G>A (p.Asp718Asn)

Gene: HLCS (holocarboxylase synthetase; minus strand). Cytogenetic location: 21q22.13.
Variant type: single nucleotide variant.
Coding change: c.2152G>A on transcript NM_001352514.2 (MANE Select); coding-DNA position 2152, G replaced by A.
Protein change: p.Asp718Asn; replaces aspartic acid 718 with asparagine.
Molecular consequence: missense variant. On other transcripts: non-coding transcript variant (2).
Genome position (GRCh38, 1-based): chr21:36,759,811, C>T on the plus strand (G>A on the coding strand, the complement: HLCS is on the minus strand). VCF-style: chr21-36759811-C-T. GRCh37 (hg19) VCF-style: chr21-38132112-C-T.
Other names: c.1711G>A, p.Asp571Asn (NM_000411.8, NM_001242784.3, NM_001242785.2 and 4 more transcripts); c.1711G>A (NM_000411.7); short protein forms D571N, D718N.
Identifiers: ClinVar variation 1908 (VCV000001908.30), dbSNP rs119103228, ClinGen allele CA278019.
Genomic context (GRCh38, chr21:36,759,811, plus strand): 5'-CCATGAGTGTTGAGTTAACCAGAACTCCGCCGATCTTCATGAGGTCACTGTAATAAATAT[C>T]GTTGGGCCACTTCACTCGTAAGTTGATATCCTAAAGGGAAATCTGCACATTAATTAAGCC-3'
Protein context (NP_001339443.1, residues 708-728): DINLRVKWPN[Asp718Asn]IYYSDLMKIG

ClinVar aggregate classification (germline): Pathogenic/Likely pathogenic. Review status: criteria provided, multiple submitters, no conflicts (2 of 4 stars). 8 submissions from 8 submitters: Pathogenic (1); Likely pathogenic (5). 2 of the submissions do not count toward it. Last evaluated 2026-01-08.

Conditions:
Holocarboxylase synthetase deficiency. Also called: MULTIPLE CARBOXYLASE DEFICIENCY, EARLY ONSET. Identifiers: Orphanet 79242, MedGen C0268581, MONDO:0009666, OMIM 253270.

Allele frequency attached by ClinVar (database versions not stated): gnomAD 0.00002 and 0.00004; 1000 Genomes Project 30x 0.00016; 1000 Genomes Project 0.00020; ExAC 0.00006; gnomAD exomes 0.00004; TOPMed 0.00003.
gnomAD v4.1: 74 of 1,613,036 alleles (0.0046%); highest among the groups gnomAD compares: East Asian, 0.0089%; no homozygotes.

Submissions (8):

Dasa
Classification: Likely pathogenic. Last evaluated: 2026-01-08. Review status: criteria provided, single submitter. Criteria: DASA Assertion Criteria. Collection method: clinical testing. Allele origin: germline.
Comment: NM_001352514.2(HLCS):c.2152G>A (p.Asp718Asn) is a missense variant that results in the substitution of aspartic acid with asparagine. This variant has been recurrently observed in individuals with HLCS-related disorders (PMID: 8817339; PMID: 11735028). Functional evidence supports an impact on the gene or gene product. Also, this variant is rare in population databases. Computational evidence supports a deleterious effect. Based on the currently available evidence, this variant is classified as likely pathogenic.

Labcorp Genetics (formerly Invitae), Labcorp
Classification: Likely pathogenic for Holocarboxylase synthetase deficiency. Last evaluated: 2025-11-26. Review status: criteria provided, single submitter. Criteria: Invitae Variant Classification Sherloc (09022015). Collection method: clinical testing. Allele origin: germline.
Comment: This sequence change replaces aspartic acid, which is acidic and polar, with asparagine, which is neutral and polar, at codon 571 of the HLCS protein (p.Asp571Asn). This variant is present in population databases (rs119103228, gnomAD 0.01%). This missense change has been observed in individuals with holocarboxylase synthetase deficiency (PMID: 8817339, 11735028). ClinVar contains an entry for this variant (Variation ID: 1908). Invitae Evidence Modeling of protein sequence and biophysical properties (such as structural, functional, and spatial information, amino acid conservation, physicochemical variation, residue mobility, and thermodynamic stability) indicates that this missense variant is expected to disrupt HLCS protein function with a positive predictive value of 95%. Experimental studies have shown that this missense change affects HLCS function (PMID: 10068510, 10190325). In summary, the currently available evidence indicates that the variant is pathogenic, but additional data are needed to prove that conclusively. Therefore, this variant has been classified as Likely Pathogenic.

Variantyx, Inc.
Classification: Likely pathogenic for Holocarboxylase synthetase deficiency. Last evaluated: 2025-11-17. Review status: criteria provided, single submitter. Criteria: Variantyx Assertion Criteria 2022. Collection method: clinical testing. Allele origin: maternal. Inheritance: Autosomal recessive inheritance. Affected: yes.
Comment: Pathogenic variants in this gene have been associated with autosomal recessive holocarboxylase synthetase deficiency. Functional studies have shown that this variant alters HLCS protein function (PMID: 10068510, 10190325) (PS3), and multiple computational algorithms predict a deleterious effect for this variant (REVEL score: 0.917) (PP3). This variant has a 0.0089% maximum allele frequency in non-founder control populations (PM2). Based on the current evidence, this variant is classified as likely pathogenic for autosomal recessive holocarboxylase synthetase deficiency.

Natera, Inc.
Classification: Likely pathogenic for Holocarboxylase synthetase deficiency. Last evaluated: 2025-08-27. Review status: criteria provided, single submitter. Criteria: Natera Variant Classification Schema (03/2026). Collection method: clinical testing. Allele origin: germline.
Comment: The c.1711G>A variant in HLCS is a missense variant predicted to cause substitution of aspartic acid to asparagine at amino acid 571. This variant is rare in the general population with a frequency below the threshold expected for the associated phenotype(s). This variant has been observed in one or more individuals affected with the associated recessive disease, as either homozygous or compound heterozygous with a second variant (PMID: 11735028, 10190325). Functional studies show that this variant may disrupt protein function (PMID: 10190325). Computational prediction algorithms indicate this variant is likely to affect gene or protein function. Given the available evidence, this variant is classified as Likely Pathogenic.

GeneDx
Classification: Likely pathogenic. Last evaluated: 2023-03-10. Review status: criteria provided, single submitter. Criteria: GeneDx Variant Classification Process June 2021. Collection method: clinical testing. Allele origin: germline. Affected: yes.
Comment: Not observed at significant frequency in large population cohorts (gnomAD); In silico analysis supports that this missense variant has a deleterious effect on protein structure/function; This variant is associated with the following publications: (PMID: 20026029, 10190325, 8817339, 16134170, 11735028)

Mayo Clinic Laboratories, Mayo Clinic
Classification: Pathogenic for Holocarboxylase synthetase deficiency. Last evaluated: 2016-11-07. Review status: criteria provided, single submitter. Criteria: ACMG Guidelines, 2015. Collection method: clinical testing. Allele origin: paternal.

Counsyl
Classification: Uncertain significance for Holocarboxylase synthetase deficiency. Last evaluated: 2017-01-24. Review status: no assertion criteria provided. Collection method: clinical testing. Allele origin: unknown. Not counted in ClinVar's aggregate classification.

OMIM
Classification: Pathogenic for HOLOCARBOXYLASE SYNTHETASE DEFICIENCY. Last evaluated: 1999-02-01. Review status: no assertion criteria provided. Collection method: literature only. Allele origin: germline. Not counted in ClinVar's aggregate classification.

Literature cited by the submitters: PubMed 20026029 (cited by Dasa and Counsyl); PubMed 10190325 (cited by 6 submitters); PubMed 10068510 (cited by 4 submitters); PubMed 8817339 (cited by 5 submitters); PubMed 11735028 (cited by 3 submitters); PubMed 16134170 (cited by Counsyl).